The following is an entry in ClinVar:

NM_001009944.3(PKD1):c.11713-11G>A

Gene: PKD1 (polycystin 1, transient receptor potential channel interacting; minus strand). Cytogenetic location: 16p13.3.
Variant type: single nucleotide variant.
Coding change: c.11713-11G>A on transcript NM_001009944.3 (MANE Select); 11 bases into the intron before coding-DNA position 11713, G replaced by A.
Molecular consequence: intron variant.
Genome position (GRCh38, 1-based): chr16:2,091,185, C>T on the plus strand (G>A on the coding strand, the complement: PKD1 is on the minus strand). VCF-style: chr16-2091185-C-T. GRCh37 (hg19) VCF-style: chr16-2141186-C-T.
Other names: c.11710-11G>A (NM_000296.4).
Identifiers: ClinVar variation 3055201 (VCV003055201.3), dbSNP rs780999638, ClinGen allele CA7828995.

ClinVar aggregate classification (germline): Likely benign. Review status: criteria provided, single submitter (1 of 4 stars). 2 submissions from 2 submitters: Likely benign (1). 1 of the submissions does not count toward it. Last evaluated 2024-10-18.

Conditions:
PKD1-related disorder. Also called: PKD1-related condition.

Allele frequency attached by ClinVar (database versions not stated): gnomAD 0.00013; ExAC 0.00014; TOPMed 0.00019.
gnomAD v4.1: 52 of 1,361,810 alleles (0.0038%); highest among the groups gnomAD compares: Admixed American, 0.089%; 1 homozygote.

Submissions (2):

Women's Health and Genetics/Laboratory Corporation of America, LabCorp
Classification: Likely benign. Last evaluated: 2024-10-18. Review status: criteria provided, single submitter. Criteria: LabCorp Variant Classification Summary - May 2015. Collection method: clinical testing. Allele origin: germline.
Comment: Variant summary: PKD1 c.11713-11G>A alters a nucleotide located at a position not widely known to affect splicing. Consensus agreement among computation tools predict no significant impact on normal splicing. However, these predictions have yet to be confirmed by functional studies. The variant allele was found at a frequency of 0.00011 in 46176 control chromosomes. The available data on variant occurrences in the general population are insufficient to allow any conclusion about variant significance. To our knowledge, no occurrence of c.11713-11G>A in individuals affected with Polycystic Kidney Disease 1 and no experimental evidence demonstrating its impact on protein function have been reported. No submitters have cited clinical-significance assessments for this variant to ClinVar. Based on the evidence outlined above, the variant was classified as likely benign.

PreventionGenetics, part of Exact Sciences
Classification: Likely benign for PKD1-related condition. Last evaluated: 2023-05-01. Review status: no assertion criteria provided. Collection method: clinical testing. Allele origin: germline. Not counted in ClinVar's aggregate classification.
Comment: This variant is classified as likely benign based on ACMG/AMP sequence variant interpretation guidelines (Richards et al. 2015 PMID: 25741868, with internal and published modifications).